The following is an entry in ClinVar:

NM_000548.5(TSC2):c.4037C>G (p.Ser1346Trp)

Gene: TSC2 (TSC complex subunit 2; plus strand). Cytogenetic location: 16p13.3.
Variant type: single nucleotide variant.
Coding change: c.4037C>G on transcript NM_000548.5 (MANE Select); coding-DNA position 4037, C replaced by G.
Protein change: p.Ser1346Trp; replaces serine 1346 with tryptophan.
Molecular consequence: missense variant.
Genome position (GRCh38, 1-based): chr16:2,084,259, C>G. VCF-style: chr16-2084259-C-G. GRCh37 (hg19) VCF-style: chr16-2134260-C-G.
Other names: c.3728C>G, p.Ser1243Trp (NM_001318827.2); c.3692C>G, p.Ser1231Trp (NM_001318829.2); c.3305C>G, p.Ser1102Trp (NM_001318831.2); c.3869C>G, p.Ser1290Trp (NM_001318832.2); c.3839C>G, p.Ser1280Trp (NM_001363528.2); c.3905C>G, p.Ser1302Trp (NM_001370404.1); c.3908C>G, p.Ser1303Trp (NM_001370405.1, NM_021055.3); c.4034C>G, p.Ser1345Trp (NM_001406663.1); and 26 more; short protein forms S1260W, S1273W, S1280W, S1323W, S1345W, S831W, S832W, S875W.
Identifiers: ClinVar variation 1737247 (VCV001737247.2), dbSNP rs45517326, ClinGen allele CA394299279.

ClinVar aggregate classification (germline): Uncertain significance (1 of 4 stars; one submission).

Conditions:
Hereditary cancer-predisposing syndrome. Also called: Neoplastic Syndromes, Hereditary; Tumor predisposition; Hereditary Cancer Syndrome; Hereditary neoplastic syndrome. Identifiers: Orphanet 140162, MedGen C0027672, MeSH D009386, MONDO:0015356.

gnomAD v4.1: 1 of 1,605,340 alleles (0.000062%); highest among the groups gnomAD compares: Non-Finnish European, 0.000085%; no homozygotes.

Submission:

Ambry Genetics
Classification: Uncertain significance for Hereditary cancer-predisposing syndrome. Last evaluated: 2022-05-25. Review status: criteria provided, single submitter. Criteria: Ambry Variant Classification Scheme 2023. Collection method: clinical testing. Allele origin: germline.
Comment: The p.S1346W variant (also known as c.4037C>G), located in coding exon 33 of the TSC2 gene, results from a C to G substitution at nucleotide position 4037. The serine at codon 1346 is replaced by tryptophan, an amino acid with highly dissimilar properties. This amino acid position is conserved. In addition, the in silico prediction for this alteration is inconclusive. Since supporting evidence is limited at this time, the clinical significance of this alteration remains unclear.